The following is an entry in ClinVar:

NM_000127.3(EXT1):c.1773del (p.Tyr592fs)

Gene: EXT1 (exostosin glycosyltransferase 1; minus strand). Cytogenetic location: 8q24.11.
Variant type: Deletion.
Coding change: c.1773del on transcript NM_000127.3 (MANE Select); coding-DNA position 1773, one base deleted (G; older notation c.1773delG).
Protein change: p.Tyr592fs; shifts the reading frame from tyrosine 592.
Molecular consequence: frameshift variant.
Genome position (GRCh38, 1-based): chr8:117,807,327, C deleted on the plus strand (G on the coding strand, the reverse complement: EXT1 is on the minus strand); the first of 4 consecutive C bases (chr8:117,807,327-117,807,330); deleting any one gives the same sequence. VCF-style (leftmost placement, unchanged base first): chr8-117807326-AC-A. GRCh37 (hg19) VCF-style: chr8-118819565-AC-A.
Other names: c.1773del (NM_000127.2); short protein forms Y592fs.
Identifiers: ClinVar variation 804166 (VCV000804166.11), dbSNP rs1586990361, ClinGen allele CA915948695.

ClinVar aggregate classification (germline): Pathogenic. Review status: criteria provided, multiple submitters, no conflicts (2 of 4 stars). 2 submissions from 2 submitters: Pathogenic (2). Last evaluated 2019-12-18.

Conditions:
Multiple congenital exostosis (EXT). Also called: Multiple exostoses; Multiple osteochondromas; MULTIPLE CARTILAGINOUS EXOSTOSES; Hereditary multiple exostoses; Hereditary multiple exostosis; Hereditary multiple osteochondromas. Identifiers: Orphanet 321, MedGen C0015306, MONDO:0005508, HP:0002762.

Submissions (2):

Service de Biochimie Médicale et Biologie Moléculaire, CHU Clermont-Ferrand
Classification: Pathogenic for Multiple congenital exostosis. Last evaluated: 2019-12-18. Review status: criteria provided, single submitter. Criteria: ACMG Guidelines, 2015. Collection method: clinical testing. Allele origin: maternal. Inheritance: Autosomal dominant inheritance. Affected: yes. Observed: 1 heterozygote.
Comment: Variant reported in Francannet C. et al. (2001) in 1 family and absent from gnomAD or ExAC.

Labcorp Genetics (formerly Invitae), Labcorp
Classification: Pathogenic for Multiple congenital exostosis. Last evaluated: 2019-04-04. Review status: criteria provided, single submitter. Criteria: Invitae Variant Classification Sherloc (09022015). Collection method: clinical testing. Allele origin: germline.
Comment: This sequence change creates a premature translational stop signal (p.Tyr592Thrfs*29) in the EXT1 gene. It is expected to result in an absent or disrupted protein product. For these reasons, this variant has been classified as Pathogenic. Loss-of-function variants in EXT1 are known to be pathogenic (PMID: 10679937, 11391482, 19810120). Algorithms developed to predict the effect of sequence changes on RNA splicing suggest that this variant may create or strengthen a splice site, but this prediction has not been confirmed by published transcriptional studies. This variant has been observed in a family affected with multiple exostoses (PMID: 11342960). This variant is also known as G591fs in the literature. This variant is not present in population databases (ExAC no frequency).

Literature cited by the submitters: PubMed 10679937 (cited by Labcorp Genetics (formerly Invitae), Labcorp); PubMed 11391482 (cited by Labcorp Genetics (formerly Invitae), Labcorp); PubMed 19810120 (cited by Labcorp Genetics (formerly Invitae), Labcorp); PubMed 11342960 (cited by Labcorp Genetics (formerly Invitae), Labcorp).